The following is an entry in ClinVar:

NM_000090.4(COL3A1):c.2283+1G>A

Gene: COL3A1 (collagen type III alpha 1 chain; plus strand). Cytogenetic location: 2q32.2.
Variant type: single nucleotide variant.
Coding change: c.2283+1G>A on transcript NM_000090.4 (MANE Select); the canonical splice donor site of the intron after coding-DNA position 2283, G replaced by A.
Molecular consequence: splice donor variant.
Genome position (GRCh38, 1-based): chr2:188,999,896, G>A. VCF-style: chr2-188999896-G-A. GRCh37 (hg19) VCF-style: chr2-189864622-G-A.
Identifiers: ClinVar variation 579595 (VCV000579595.8), dbSNP rs1559058970, ClinGen allele CA349841217.

ClinVar aggregate classification (germline): Likely pathogenic (1 of 4 stars; one submission).

Conditions:
Ehlers-Danlos syndrome, type 4 (EDSVASC). Also called: Ehlers-Danlos syndrome vascular type; Ehlers Danlos syndrome, ecchymotic type; Ehlers Danlos syndrome, arterial type; Ehlers Danlos syndrome, Sack-Barabas type; Ehlers-Danlos Syndrome Type IV. Identifiers: Orphanet 286, MedGen C0268338, MONDO:0017314, OMIM 130050.

Allele frequency attached by ClinVar (database versions not stated): gnomAD exomes below 0.00001.
gnomAD v4.1: 1 of 1,588,336 alleles (0.000063%); highest among the groups gnomAD compares: Non-Finnish European, 0.000086%; no homozygotes.

Submission:

Labcorp Genetics (formerly Invitae), Labcorp
Classification: Likely pathogenic for Ehlers-Danlos syndrome, type 4. Last evaluated: 2020-10-13. Review status: criteria provided, single submitter. Criteria: Invitae Variant Classification Sherloc (09022015). Collection method: clinical testing. Allele origin: germline.
Comment: In summary, the currently available evidence indicates that the variant is pathogenic, but additional data are needed to prove that conclusively. Therefore, this variant has been classified as Likely Pathogenic. Algorithms developed to predict the effect of sequence changes on RNA splicing suggest that this variant may disrupt the consensus splice site, but this prediction has not been confirmed by published transcriptional studies. Donor and acceptor splice site variants typically lead to a loss of protein function (PMID: 16199547), and loss-of-function variants in COL3A1 are known to be pathogenic (PMID: 24922459). This variant has not been reported in the literature in individuals with COL3A1-related disease. This variant is not present in population databases (ExAC no frequency). This sequence change affects a donor splice site in intron 32 of the COL3A1 gene. It is expected to disrupt RNA splicing and likely results in an absent or disrupted protein product.

Literature cited by the submitters: PubMed 16199547; PubMed 24922459.